The following is an entry in ClinVar:

ClinVar aggregate classification (germline): Uncertain significance. Review status: criteria provided, multiple submitters, no conflicts (2 of 4 stars). 3 submissions from 3 submitters: Uncertain significance (3). Last evaluated 2025-04-26.

Conditions:
Epidermolysis bullosa simplex 5B, with muscular dystrophy (EBS5B). Also called: Epidermolysis bullosa simplex with muscular dystrophy; EPIDERMOLYSIS BULLOSA SIMPLEX AND LIMB-GIRDLE MUSCULAR DYSTROPHY. Identifiers: Orphanet 257, MedGen C2931072, MONDO:0009181, OMIM 226670.
Epidermolysis bullosa simplex, Ogna type (EBS5A). Also called: Pidermolysis bullosa simplex 5A, Ogna type; EPIDERMOLYSIS BULLOSA SIMPLEX 5A, OGNA TYPE. Identifiers: Orphanet 79401, MedGen C0432317, MONDO:0007555, OMIM 131950.
Autosomal recessive limb-girdle muscular dystrophy type 2Q (LGMDR17). Also called: MUSCULAR DYSTROPHY, LIMB-GIRDLE, AUTOSOMAL RECESSIVE 17. Identifiers: Orphanet 254361, MedGen C3150989, MONDO:0013390, OMIM 613723.
Epidermolysis bullosa simplex with nail dystrophy (EBS5D). Identifiers: MedGen C4225309, MONDO:0014661, OMIM 616487.
Epidermolysis bullosa simplex 5C, with pyloric atresia (EBS5C). Also called: Epidermolysis bullosa simplex with pyloric atresia; PLEC-Related Epidermolysis Bullosa with Pyloric Atresia; PLEC1-Related Epidermolysis Bullosa with Pyloric Atresia. Identifiers: Orphanet 158684, MedGen C2677349, MONDO:0012807, OMIM 612138.
Inborn genetic diseases. Identifiers: MedGen C0950123, MeSH D030342.

Allele frequency attached by ClinVar (database versions not stated): gnomAD 0.00006 and 0.00011; TOPMed 0.00009; gnomAD exomes 0.00014 and 0.00015; ExAC 0.00017; 1000 Genomes Project 30x 0.00062.
gnomAD v4.1: 213 of 1,555,594 alleles (0.014%); highest among the groups gnomAD compares: East Asian, 0.43%; 1 homozygote.

Submissions (3):

Labcorp Genetics (formerly Invitae), Labcorp
Classification: Uncertain significance for Autosomal recessive limb-girdle muscular dystrophy type 2Q; Epidermolysis bullosa simplex, Ogna type; Epidermolysis bullosa simplex with nail dystrophy; Epidermolysis bullosa simplex 5C, with pyloric atresia; Epidermolysis bullosa simplex 5B, with muscular dystrophy. Last evaluated: 2025-04-26. Review status: criteria provided, single submitter. Criteria: Invitae Variant Classification Sherloc (09022015). Collection method: clinical testing. Allele origin: germline.
Comment: This sequence change replaces arginine, which is basic and polar, with tryptophan, which is neutral and slightly polar, at codon 1560 of the PLEC protein (p.Arg1560Trp). This variant is present in population databases (rs781783078, gnomAD 0.1%). This variant has not been reported in the literature in individuals affected with PLEC-related conditions. ClinVar contains an entry for this variant (Variation ID: 1377995). Experimental studies and prediction algorithms are not available or were not evaluated, and the functional significance of this variant is currently unknown. In summary, the available evidence is currently insufficient to determine the role of this variant in disease. Therefore, it has been classified as a Variant of Uncertain Significance.

Ambry Genetics
Classification: Uncertain significance for Inborn genetic diseases. Last evaluated: 2025-01-16. Review status: criteria provided, single submitter. Criteria: Ambry Variant Classification Scheme 2023. Collection method: clinical testing. Allele origin: germline.

Revvity Omics, Revvity
Classification: Uncertain significance. Last evaluated: 2021-03-25. Review status: criteria provided, single submitter. Criteria: ACMG Guidelines, 2015. Collection method: clinical testing. Allele origin: germline.

NM_201384.3(PLEC):c.4597C>T (p.Arg1533Trp)

Gene: PLEC (plectin; minus strand). Cytogenetic location: 8q24.3.
Variant type: single nucleotide variant.
Coding change: c.4597C>T on transcript NM_201384.3 (MANE Select); coding-DNA position 4597, C replaced by T.
Protein change: p.Arg1533Trp; replaces arginine 1533 with tryptophan.
Molecular consequence: missense variant.
Genome position (GRCh38, 1-based): chr8:143,925,332, G>A on the plus strand (C>T on the coding strand, the complement: PLEC is on the minus strand). VCF-style: chr8-143925332-G-A. GRCh37 (hg19) VCF-style: chr8-144999500-G-A.
Other names: c.4678C>T (NM_000445.3); c.4678C>T, p.Arg1560Trp (NM_000445.5); c.4555C>T, p.Arg1519Trp (NM_201378.4); c.4531C>T, p.Arg1511Trp (NM_201379.3); c.5008C>T, p.Arg1670Trp (NM_201380.4); c.4501C>T, p.Arg1501Trp (NM_201381.3); c.4597C>T, p.Arg1533Trp (NM_201382.4); c.4609C>T, p.Arg1537Trp (NM_201383.3); short protein forms R1533W, R1670W, R1511W, R1519W, R1537W, R1560W, R1501W.
Identifiers: ClinVar variation 1377995 (VCV001377995.9), dbSNP rs781783078, ClinGen allele CA4926605.